The following is an entry in ClinVar:

ClinVar aggregate classification (germline): Pathogenic (1 of 4 stars; one submission).

Conditions:
Sulfite oxidase deficiency due to molybdenum cofactor deficiency type A. Also called: Molybdenum cofactor deficiency, complementation group A; Molybdenum Cofactor Deficiency A. Identifiers: Orphanet 308386, Orphanet 833, MedGen C1854988, MONDO:0009643, OMIM 252150.

gnomAD v4.1: 1 of 1,614,028 alleles (0.000062%); highest among the groups gnomAD compares: South Asian, 0.0011%; no homozygotes.

Submission:

Labcorp Genetics (formerly Invitae), Labcorp
Classification: Pathogenic for Sulfite oxidase deficiency due to molybdenum cofactor deficiency type A. Last evaluated: 2023-12-25. Review status: criteria provided, single submitter. Criteria: Invitae Variant Classification Sherloc (09022015). Collection method: clinical testing. Allele origin: germline.
Comment: This sequence change creates a premature translational stop signal (p.Glu309*) in the MOCS1 gene. It is expected to result in an absent or disrupted protein product. Loss-of-function variants in MOCS1 are known to be pathogenic (PMID: 12754701, 16021469). This variant is not present in population databases (gnomAD no frequency). This variant has not been reported in the literature in individuals affected with MOCS1-related conditions. For these reasons, this variant has been classified as Pathogenic.

Literature cited by the submitters: PubMed 12754701; PubMed 16021469.

NM_001358530.2(MOCS1):c.925G>T (p.Glu309Ter)

Gene: MOCS1 (molybdenum cofactor synthesis 1; minus strand). Cytogenetic location: 6p21.2.
Variant type: single nucleotide variant.
Coding change: c.925G>T on transcript NM_001358530.2 (MANE Select); coding-DNA position 925, G replaced by T.
Protein change: p.Glu309Ter; replaces glutamic acid 309 with a stop codon.
Molecular consequence: nonsense. On other transcripts: non-coding transcript variant (1).
Genome position (GRCh38, 1-based): chr6:39,912,320, C>A on the plus strand (G>T on the coding strand, the complement: MOCS1 is on the minus strand). VCF-style: chr6-39912320-C-A. GRCh37 (hg19) VCF-style: chr6-39880064-C-A.
Other names: c.925G>T, p.Glu309Ter (NM_001075098.4, NM_001358529.2, NM_005943.6); c.664G>T, p.Glu222Ter (NM_001358531.2, NM_001358533.2, NM_001358534.2); short protein forms E222*, E309*.
Identifiers: ClinVar variation 2705520 (VCV002705520.3), dbSNP rs2482302899, ClinGen allele CA364043091.